The following is an entry in ClinVar:

ClinVar aggregate classification (germline): Pathogenic. Review status: criteria provided, multiple submitters, no conflicts (2 of 4 stars). 3 submissions from 3 submitters: Pathogenic (3). Last evaluated 2023-08-17.

Conditions:
RPGRIP1-related disorder. Also called: RPGRIP1-related condition.
Leber congenital amaurosis 6 (LCA6). Identifiers: Orphanet 65, MedGen C1854260, MONDO:0013446, OMIM 613826.
Cone-rod dystrophy 13 (CORD13). Identifiers: Orphanet 1872, MedGen C2750720, MONDO:0011987, OMIM 608194.

Allele frequency attached by ClinVar (database versions not stated): ExAC 0.00001; TOPMed 0.00002.
gnomAD v4.1: 2 of 1,598,032 alleles (0.00013%); highest among the groups gnomAD compares: Non-Finnish European, 0.00017%; no homozygotes.

Submissions (3):

Labcorp Genetics (formerly Invitae), Labcorp
Classification: Pathogenic for Leber congenital amaurosis 6; Cone-rod dystrophy 13. Last evaluated: 2023-08-17. Review status: criteria provided, single submitter. Criteria: Invitae Variant Classification Sherloc (09022015). Collection method: clinical testing. Allele origin: germline.
Comment: ClinVar contains an entry for this variant (Variation ID: 280091). For these reasons, this variant has been classified as Pathogenic. This premature translational stop signal has been observed in individual(s) with clinical features of inherited retinal dystrophy (PMID: 11528500, 17525851). This variant is present in population databases (rs780587095, gnomAD 0.0009%). This sequence change creates a premature translational stop signal (p.Arg890*) in the RPGRIP1 gene. It is expected to result in an absent or disrupted protein product. Loss-of-function variants in RPGRIP1 are known to be pathogenic (PMID: 11528500, 23105016).

Blueprint Genetics
Classification: Pathogenic for RPGRIP1-related disorders. Last evaluated: 2022-05-10. Review status: criteria provided, single submitter. Criteria: ACMG Guidelines, 2015. Collection method: clinical testing. Allele origin: germline. Affected: yes. Observed: 4 variant alleles.

GeneDx
Classification: Pathogenic. Last evaluated: 2017-10-30. Review status: criteria provided, single submitter. Criteria: GeneDx Variant Classification (06012015). Collection method: clinical testing. Allele origin: germline. Affected: yes.
Comment: The R890X pathogenic variant in the RPGRIP1 gene has been reported previously in association with Leber congenital amaurosis when present in the homozygous state or when in trans with another pathogenic variant (Gerber et al., 2001; Hanein et al., 2004; Galvin et al., 2005). Yeast two-hybrid screening and coimmunopreciptation assays showed that the R890X variant severely disrupts the interaction of RPGRIP1 with nephrocystin-4 compared to wild type (Roepman et al., 2005). This variant is predicted to cause loss of normal protein function either through protein truncation or nonsense-mediated mRNA decay. The R890X variant was not observed in approximately 6000 individuals of European and African American ancestry in the NHLBI Exome Sequencing Project, indicating it is not a common benign variant in these populations. We interpret R890X as a pathogenic variant.

Literature cited by the submitters: PubMed 11528500 (cited by Labcorp Genetics (formerly Invitae), Labcorp); PubMed 17525851 (cited by Labcorp Genetics (formerly Invitae), Labcorp); PubMed 23105016 (cited by Labcorp Genetics (formerly Invitae), Labcorp).

NM_020366.4(RPGRIP1):c.2668C>T (p.Arg890Ter)

Gene: RPGRIP1 (RPGR interacting protein 1; plus strand). Cytogenetic location: 14q11.2.
Variant type: single nucleotide variant.
Coding change: c.2668C>T on transcript NM_020366.4 (MANE Select); coding-DNA position 2668, C replaced by T.
Protein change: p.Arg890Ter; replaces arginine 890 with a stop codon.
Molecular consequence: nonsense. On other transcripts: intron variant (4).
Genome position (GRCh38, 1-based): chr14:21,326,131, C>T. VCF-style: chr14-21326131-C-T. GRCh37 (hg19) VCF-style: chr14-21794290-C-T.
Other names: c.1594C>T, p.Arg532Ter (NM_001377948.1); c.796+1406C>T (NM_001377949.1); c.689-1492C>T (NM_001377523.1, NM_001377950.1); c.191-1492C>T (NM_001377951.1); short protein forms R890*, R532*.
Identifiers: ClinVar variation 280091 (VCV000280091.7), dbSNP rs780587095, ClinGen allele CA7089317.